The following is an entry in ClinVar:

NM_001165963.4(SCN1A):c.2589+1G>C

Gene: SCN1A (sodium voltage-gated channel alpha subunit 1; minus strand). Cytogenetic location: 2q24.3.
Variant type: single nucleotide variant.
Coding change: c.2589+1G>C on transcript NM_001165963.4 (MANE Select); the canonical splice donor site of the intron after coding-DNA position 2589, G replaced by C.
Molecular consequence: splice donor variant.
Genome position (GRCh38, 1-based): chr2:166,039,422, C>G on the plus strand (G>C on the coding strand, the complement: SCN1A is on the minus strand). VCF-style: chr2-166039422-C-G. GRCh37 (hg19) VCF-style: chr2-166895932-C-G.
Other names: c.2556+1G>C (NM_001353949.2, NM_001353950.2, NM_001353951.2 and 2 more transcripts); c.2505+1G>C (NM_001353958.2, NM_001353957.2, NM_001165964.3); c.2589+1G>C (NM_001202435.3, NM_001353948.2); c.2553+1G>C (NM_001353955.2, NM_001353954.2); c.2502+1G>C (NM_001353960.2); c.147+1G>C (NM_001353961.2).
Identifiers: ClinVar variation 1878584 (VCV001878584.1), dbSNP rs1057517849, ClinGen allele CA349062298.

ClinVar aggregate classification (germline): Likely pathogenic (1 of 4 stars; one submission).

Conditions:
Severe myoclonic epilepsy in infancy (DRVT). Also called: Dravet syndrome; Epileptic encephalopathy, early infantile, 6 (Dravet syndrome); SEVERE MYOCLONIC EPILEPSY OF INFANCY; DEVELOPMENTAL AND EPILEPTIC ENCEPHALOPATHY 6A; Severe Myoclonic Epilepsy in Infancy (SMEI). Identifiers: Orphanet 33069, MedGen C0751122, MONDO:0100135, OMIM 607208.

Submission:

Neuberg Centre For Genomic Medicine, NCGM
Classification: Likely pathogenic for Severe myoclonic epilepsy in infancy. Review status: criteria provided, single submitter. Criteria: ACMG Guidelines, 2015. Collection method: clinical testing. Allele origin: germline. Affected: yes.
Comment: The splice site c.2589+1G>C variant has not been reported previously as a pathogenic variant nor as a benign variant, to our knowledge. The variant is novel (not in any individuals) in gnomAD Exomes and 1000 Genomes. The nucleotide change in SCN1A is predicted as conserved by GERP++ and PhyloP across 100 vertebrates. Loss of function variants have been previously reported to be disease causing. For these reasons, this variant has been classified as Likely Pathogenic.